The following is an entry in ClinVar:

NM_001430.5(EPAS1):c.1746C>G (p.Pro582=)

Gene: EPAS1 (endothelial PAS domain protein 1; plus strand). Cytogenetic location: 2p21.
Variant type: single nucleotide variant.
Coding change: c.1746C>G on transcript NM_001430.5 (MANE Select); coding-DNA position 1746, C replaced by G.
Protein change: p.Pro582=; no amino-acid change (proline 582 retained).
Molecular consequence: synonymous variant.
Genome position (GRCh38, 1-based): chr2:46,380,418, C>G. VCF-style: chr2-46380418-C-G. GRCh37 (hg19) VCF-style: chr2-46607557-C-G.
Other names: p.Pro582=.
Identifiers: ClinVar variation 4684568 (VCV004684568.1).
Genomic context (GRCh38, chr2:46,380,418, plus strand): 5'-CTGCTTCAGTGCCATGACAAACATCTTCCAGCCACTGGCCCCTGTAGCCCCGCACAGTCC[C>G]TTCCTCCTGGACAAGTTTCAGCAGCAGCTGGAGAGCAAGAAGACAGAGCCCGAGCACCGG-3'
Protein context (NP_001421.2, residues 572-592): QPLAPVAPHS[Pro582=]FLLDKFQQQL

ClinVar aggregate classification (germline): Likely benign (1 of 4 stars; one submission).

Submission:

Mayo Clinic Laboratories, Mayo Clinic
Classification: Likely benign. Last evaluated: 2025-08-27. Review status: criteria provided, single submitter. Criteria: ACMG Guidelines, 2015. Collection method: clinical testing. Allele origin: germline. Observed: 1 variant allele.
Comment: BP4, BP7, PM2_supporting